The following is an entry in ClinVar:

NM_001130438.3(SPTAN1):c.2163A>C (p.Ala721=)

Gene: SPTAN1 (spectrin alpha, non-erythrocytic 1; plus strand). Cytogenetic location: 9q34.11.
Variant type: single nucleotide variant.
Coding change: c.2163A>C on transcript NM_001130438.3 (MANE Select); coding-DNA position 2163, A replaced by C.
Protein change: p.Ala721=; no amino-acid change (alanine 721 retained).
Molecular consequence: synonymous variant.
Genome position (GRCh38, 1-based): chr9:128,583,939, A>C. VCF-style: chr9-128583939-A-C. GRCh37 (hg19) VCF-style: chr9-131346218-A-C.
Other names: p.Ala721=; c.2163A>C, p.Ala721= (NM_001195532.2, NM_001363759.2, NM_001363765.2 and 5 more transcripts); c.2199A>C, p.Ala733= (NM_001375312.2, NM_001375318.1).
Identifiers: ClinVar variation 1166052 (VCV001166052.15), dbSNP rs10760566, ClinGen allele CA5264577.

ClinVar aggregate classification (germline): Benign. Review status: criteria provided, multiple submitters, no conflicts (2 of 4 stars). 5 submissions from 5 submitters: Benign (5). Last evaluated 2026-02-04.

Conditions:
Early-infantile DEE. Also called: Early infantile epileptic encephalopathy; Ohtahara syndrome; Early infantile epileptic encephalopathy with suppression bursts. Identifiers: Orphanet 1934, MedGen C0393706, MONDO:0800491.

Allele frequency attached by ClinVar (database versions not stated): TOPMed 0.96755; 1000 Genomes Project 30x 0.96799; gnomAD 0.96940 and 0.97147; 1000 Genomes Project 0.96985; ESP Exome Variant Server 0.97009; ExAC 0.99136.
gnomAD v4.1: 1,605,663 of 1,614,148 alleles (99%); highest among the groups gnomAD compares: East Asian, 100%; 798,979 homozygotes.

Submissions (5):

Labcorp Genetics (formerly Invitae), Labcorp
Classification: Benign for Early-infantile DEE. Last evaluated: 2026-02-04. Review status: criteria provided, single submitter. Criteria: Invitae Variant Classification Sherloc (09022015). Collection method: clinical testing. Allele origin: germline.

Blueprint Genetics
Classification: Benign. Last evaluated: 2024-11-27. Review status: criteria provided, single submitter. Criteria: ACMG Guidelines, 2015. Collection method: clinical testing. Allele origin: germline.

Unidad de Genómica Garrahan, Hospital de Pediatría Garrahan
Classification: Benign. Last evaluated: 2024-07-15. Review status: criteria provided, single submitter. Criteria: ACMG Guidelines, 2015. Collection method: clinical testing. Allele origin: germline. Affected: no. Observed: 93 variant alleles.
Comment: This variant is classified as Benign based on local population frequency. This variant was detected in 100% of patients studied in a panel designed for Epileptic and Developmental Encephalopathy and Progressive Myoclonus Epilepsy. Number of patients: 93. Only high quality variants are reported.

Mayo Clinic Laboratories, Mayo Clinic
Classification: Benign. Last evaluated: 2022-03-24. Review status: criteria provided, single submitter. Criteria: ACMG Guidelines, 2015. Collection method: clinical testing. Allele origin: germline. Observed: 1,666 variant alleles.

Breakthrough Genomics
Classification: Benign. Review status: criteria provided, single submitter. Criteria: ACMG Guidelines, 2015. Collection method: not provided. Allele origin: germline. Inheritance: Autosomal dominant inheritance. Affected: yes.